The following is an entry in ClinVar:

NM_000500.9(CYP21A2):c.398G>A (p.Arg133His)

Genes: CYP21A2 (cytochrome P450 family 21 subfamily A member 2; plus strand), LOC106780800 (CYP21A2 recombination region; plus strand). Cytogenetic location: 6p21.33.
Variant type: single nucleotide variant.
Coding change: c.398G>A on transcript NM_000500.9 (MANE Select); coding-DNA position 398, G replaced by A.
Protein change: p.Arg133His; replaces arginine 133 with histidine.
Molecular consequence: missense variant. On other transcripts: 5 prime UTR variant (2).
Genome position (GRCh38, 1-based): chr6:32,039,199, G>A. VCF-style: chr6-32039199-G-A. GRCh37 (hg19) VCF-style: chr6-32006976-G-A.
Other names: c.308G>A, p.Arg103His (NM_001128590.4); c.-8G>A (NM_001368143.2, NM_001368144.2); short protein forms R103H, R133H.
Identifiers: ClinVar variation 3339737 (VCV003339737.1).
Genomic context (GRCh38, chr6:32,039,199, plus strand): 5'-ACTCCCTGCTCTGGAAAGCCCACAAGAAGCTCACCCGCTCAGCCCTGCTGCTGGGCATCC[G>A]TGACTCCATGGAGCCAGTGGTGGAGCAGCTGACCCAGGAGTTCTGTGAGGTAAGGCTGGG-3'
Protein context (NP_000491.4, residues 123-143): LTRSALLLGI[Arg133His]DSMEPVVEQL

ClinVar aggregate classification (germline): Uncertain significance (1 of 4 stars; one submission).

Submission:

Women's Health and Genetics/Laboratory Corporation of America, LabCorp
Classification: Uncertain significance. Last evaluated: 2024-06-05. Review status: criteria provided, single submitter. Criteria: LabCorp Variant Classification Summary - May 2015. Collection method: clinical testing. Allele origin: germline.
Comment: Variant summary: CYP21A2 c.398G>A (p.Arg133His) results in a non-conservative amino acid change in the encoded protein sequence. Four of five in-silico tools predict a benign effect of the variant on protein function. The variant was absent in 220572 control chromosomes. The available data on variant occurrences in the general population are insufficient to allow any conclusion about variant significance. c.398G>A has been reported in the literature in an individual affected with Congenital Adrenal Hyperplasia (Bruque_2016). These report(s) do not provide unequivocal conclusions about association of the variant with Congenital Adrenal Hyperplasia. To our knowledge, no experimental evidence demonstrating an impact on protein function has been reported. The following publication have been ascertained in the context of this evaluation (PMID: 27966633). No submitters have cited clinical-significance assessments for this variant to ClinVar. Based on the evidence outlined above, the variant was classified as uncertain significance.

Literature cited by the submitters: PubMed 27966633.